The following is an entry in ClinVar:

NM_014937.4(INPP5F):c.1132del (p.Leu377_Val378insTer)

Gene: INPP5F (inositol polyphosphate-5-phosphatase F; plus strand). Cytogenetic location: 10q26.11.
Variant type: Deletion.
Coding change: c.1132del on transcript NM_014937.4 (MANE Select); coding-DNA position 1132, one base deleted (G; older notation c.1132delG).
Protein change: p.Leu377_Val378insTer.
Molecular consequence: nonsense. On other transcripts: 5 prime UTR variant (2).
Genome position (GRCh38, 1-based): chr10:119,804,188, G deleted; the last of 2 consecutive G bases (chr10:119,804,187-119,804,188); deleting either gives the same sequence. VCF-style (leftmost placement, unchanged base first): chr10-119804186-TG-T. GRCh37 (hg19) VCF-style: chr10-121563698-TG-T.
Other names: c.1132delG (NM_014937.4); c.1132del, p.Leu377_Val378insTer (NM_001441019.1, NM_001441020.1, NM_001441023.1 and 5 more transcripts); c.-206del (NM_001441021.1); c.-391del (NM_001441022.1); c.844del, p.Leu281_Val282insTer (NM_001441009.1, NM_001441010.1, NM_001441011.1 and 2 more transcripts); c.778del, p.Leu259_Val260insTer (NM_001441014.1); c.628del, p.Leu209_Val210insTer (NM_001441015.1, NM_001441016.1); c.433del, p.Leu144_Val145insTer (NM_001441017.1); and 5 more.
Identifiers: ClinVar variation 4082117 (VCV004082117.1).

ClinVar aggregate classification (germline): Pathogenic (0 of 4 stars; one submission).

Conditions:
Familial hypercholesterolemia. Also called: Familial hypercholesterolaemia. Identifiers: MedGen C0020445, MONDO:0005439.

Submission:

Research Laboratories, P. D. Hinduja Hospital & MRC
Classification: Pathogenic for Familial hypercholesterolemia. Last evaluated: 2022-12-16. Review status: no assertion criteria provided. Collection method: case-control. Allele origin: germline. Affected: yes. Observed: 1 variant allele, 1 heterozygote.
Comment: This variant was identified as part of the ICMR-funded project (Ref No. 2020-3881). A frameshift deletion in INPP5F (NM_014937.4), exon 9: c.1132delG, resulting in a frameshift at valine 378 and a premature stop codon 11 residues downstream (p.V378Wfs*11). To our knowledge, functional studies specific to this variant have not been reported. This variant has not been described in individuals with Familial Hypercholesterolemia (FH) in the literature; however, the INPP5F gene is associated with lipid metabolism according to the LIPID MAPS Proteome Database (LMPD). Computational predictions using MutationTaster and PolyPhen-2 suggest that this variant is likely deleterious and possibly damaging to protein function (GRCh38)."